The following is an entry in ClinVar:

ClinVar aggregate classification (germline): Likely benign. Review status: criteria provided, single submitter (1 of 4 stars). 2 submissions from 2 submitters: Likely benign (1). 1 of the submissions does not count toward it. Last evaluated 2024-08-04.

Conditions:
RFWD3-related disorder. Also called: RFWD3-related condition.

gnomAD v4.1: 17 of 1,599,970 alleles (0.0011%); highest among the groups gnomAD compares: Admixed American, 0.013%; no homozygotes.

Submissions (2):

Labcorp Genetics (formerly Invitae), Labcorp
Classification: Likely benign. Last evaluated: 2024-08-04. Review status: criteria provided, single submitter. Criteria: Invitae Variant Classification Sherloc (09022015). Collection method: clinical testing. Allele origin: germline.

PreventionGenetics, part of Exact Sciences
Classification: Likely benign for RFWD3-related condition. Last evaluated: 2019-08-09. Review status: no assertion criteria provided. Collection method: clinical testing. Allele origin: germline. Not counted in ClinVar's aggregate classification.
Comment: This variant is classified as likely benign based on ACMG/AMP sequence variant interpretation guidelines (Richards et al. 2015 PMID: 25741868, with internal and published modifications).

NM_018124.4(RFWD3):c.1080-6C>G

Gene: RFWD3 (ring finger and WD repeat domain 3; minus strand). Cytogenetic location: 16q23.1.
Variant type: single nucleotide variant.
Coding change: c.1080-6C>G on transcript NM_018124.4 (MANE Select); 6 bases into the intron before coding-DNA position 1080, C replaced by G.
Molecular consequence: intron variant.
Genome position (GRCh38, 1-based): chr16:74,637,976, G>C on the plus strand (C>G on the coding strand, the complement: RFWD3 is on the minus strand). VCF-style: chr16-74637976-G-C. GRCh37 (hg19) VCF-style: chr16-74671874-G-C.
Other names: c.1080-6C>G (NM_001370534.1, NM_001370536.1, NM_001370535.1 and 1 more transcripts); c.246-6C>G (NM_001370539.1, NM_001370537.1, NM_001370543.1 and 2 more transcripts).
Identifiers: ClinVar variation 2884386 (VCV002884386.5), dbSNP rs191155100, ClinGen allele CA8169328.
Genomic context (GRCh38, chr16:74,637,976, plus strand): 5'-CTGTGCTGATTCTAACTCGGCCTGTTTCCTTAGCATCTGTTCCTTCAGTAGGGAACTAGA[G>C]GGGGAAAGCCAGCAACAAGTGGGGATTAGGAAGGCTACAGAAGACTTCCCATCCAGGTGG-3'